The following is an entry in ClinVar:

NM_025144.4(ALPK1):c.91G>A (p.Glu31Lys)

Gene: ALPK1 (alpha kinase 1; plus strand). Cytogenetic location: 4q25.
Variant type: single nucleotide variant.
Coding change: c.91G>A on transcript NM_025144.4 (MANE Select); coding-DNA position 91, G replaced by A.
Protein change: p.Glu31Lys; replaces glutamic acid 31 with lysine.
Molecular consequence: missense variant. On other transcripts: synonymous variant (1).
Genome position (GRCh38, 1-based): chr4:112,377,868, G>A. VCF-style: chr4-112377868-G-A. GRCh37 (hg19) VCF-style: chr4-113299024-G-A.
Other names: c.91G>A, p.Glu31Lys (NM_001102406.2); c.12G>A, p.Lys4= (NM_001253884.2); short protein forms E31K.
Identifiers: ClinVar variation 3675296 (VCV003675296.2).

ClinVar aggregate classification (germline): Uncertain significance (1 of 4 stars; one submission).

gnomAD v4.1: 3 of 1,613,406 alleles (0.00019%); highest among the groups gnomAD compares: East Asian, 0.0022%; no homozygotes.

Submission:

Labcorp Genetics (formerly Invitae), Labcorp
Classification: Uncertain significance. Last evaluated: 2024-09-29. Review status: criteria provided, single submitter. Criteria: Invitae Variant Classification Sherloc (09022015). Collection method: clinical testing. Allele origin: germline.
Comment: This sequence change replaces glutamic acid, which is acidic and polar, with lysine, which is basic and polar, at codon 31 of the ALPK1 protein (p.Glu31Lys). This variant is present in population databases (no rsID available, gnomAD 0.006%). This variant has not been reported in the literature in individuals affected with ALPK1-related conditions. An algorithm developed to predict the effect of missense changes on protein structure and function (PolyPhen-2) suggests that this variant is likely to be tolerated. In summary, the available evidence is currently insufficient to determine the role of this variant in disease. Therefore, it has been classified as a Variant of Uncertain Significance.